The following is an entry in ClinVar:

ClinVar aggregate classification (germline): Uncertain significance. Review status: criteria provided, multiple submitters, no conflicts (2 of 4 stars). 2 submissions from 2 submitters: Uncertain significance (2). Last evaluated 2025-05-24.

Conditions:
Aortic valve disease 2 (AOVD2). Identifiers: MedGen C3542024, MONDO:0013902, OMIM 614823.
Inborn genetic diseases. Identifiers: MedGen C0950123, MeSH D030342.

gnomAD v4.1: 3 of 1,248,310 alleles (0.00024%); highest among the groups gnomAD compares: Non-Finnish European, 0.0003%; no homozygotes.

Submissions (2):

Ambry Genetics
Classification: Uncertain significance for Inborn genetic diseases. Last evaluated: 2025-05-24. Review status: criteria provided, single submitter. Criteria: Ambry Variant Classification Scheme 2023. Collection method: clinical testing. Allele origin: germline.
Comment: The p.D70V variant (also known as c.209A>T), located in coding exon 1 of the SMAD6 gene, results from an A to T substitution at nucleotide position 209. The aspartic acid at codon 70 is replaced by valine, an amino acid with highly dissimilar properties. This amino acid position is conserved. In addition, this alteration is predicted to be tolerated by in silico analysis. Based on the available evidence, the clinical significance of this variant remains unclear.

Labcorp Genetics (formerly Invitae), Labcorp
Classification: Uncertain significance for Aortic valve disease 2. Last evaluated: 2025-04-17. Review status: criteria provided, single submitter. Criteria: Invitae Variant Classification Sherloc (09022015). Collection method: clinical testing. Allele origin: germline.
Comment: This sequence change replaces aspartic acid, which is acidic and polar, with valine, which is neutral and non-polar, at codon 70 of the SMAD6 protein (p.Asp70Val). This variant is not present in population databases (gnomAD no frequency). This variant has not been reported in the literature in individuals affected with SMAD6-related conditions. An algorithm developed to predict the effect of missense changes on protein structure and function (PolyPhen-2) suggests that this variant is likely to be tolerated. In summary, the available evidence is currently insufficient to determine the role of this variant in disease. Therefore, it has been classified as a Variant of Uncertain Significance.

NM_005585.5(SMAD6):c.209A>T (p.Asp70Val)

Gene: SMAD6 (SMAD family member 6; plus strand). Cytogenetic location: 15q22.31.
Variant type: single nucleotide variant.
Coding change: c.209A>T on transcript NM_005585.5 (MANE Select); coding-DNA position 209, A replaced by T.
Protein change: p.Asp70Val; replaces aspartic acid 70 with valine.
Molecular consequence: missense variant. On other transcripts: non-coding transcript variant (1).
Genome position (GRCh38, 1-based): chr15:66,703,467, A>T. VCF-style: chr15-66703467-A-T. GRCh37 (hg19) VCF-style: chr15-66995805-A-T.
Other names: short protein forms D70V.
Identifiers: ClinVar variation 3958366 (VCV003958366.2).